The following is an entry in ClinVar:

NM_199420.4(POLQ):c.1298G>T (p.Arg433Leu)

Gene: POLQ (DNA polymerase theta; minus strand). Cytogenetic location: 3q13.33.
Variant type: single nucleotide variant.
Coding change: c.1298G>T on transcript NM_199420.4 (MANE Select); coding-DNA position 1298, G replaced by T.
Protein change: p.Arg433Leu; replaces arginine 433 with leucine.
Molecular consequence: missense variant.
Genome position (GRCh38, 1-based): chr3:121,520,041, C>A on the plus strand (G>T on the coding strand, the complement: POLQ is on the minus strand). VCF-style: chr3-121520041-C-A. GRCh37 (hg19) VCF-style: chr3-121238888-C-A.
Other names: short protein forms R433L.
Identifiers: ClinVar variation 1769273 (VCV001769273.2), dbSNP rs1251692895, ClinGen allele CA354119843.
Genomic context (GRCh38, chr3:121,520,041, plus strand): 5'-GGTAAATTCACCCCAGAAGAAAGAGTAGAAGTTGCCGCCAAGACCCGAATGAGACCTTGA[C>A]GAAAGGCTCCTTCAATGATATCCCTCTCCTCAAAAGTAAGACCTAAAAAAAGGAGGTTTT-3'
Protein context (NP_955452.3, residues 423-443): EERDIIEGAF[Arg433Leu]QGLIRVLAAT

ClinVar aggregate classification (germline): Uncertain significance (1 of 4 stars; one submission).

Submission:

Ambry Genetics
Classification: Uncertain significance. Last evaluated: 2022-01-10. Review status: criteria provided, single submitter. Criteria: Ambry Variant Classification Scheme 2023. Collection method: clinical testing. Allele origin: germline.
Comment: The p.R433L variant (also known as c.1298G>T), located in coding exon 9 of the POLQ gene, results from a G to T substitution at nucleotide position 1298. The arginine at codon 433 is replaced by leucine, an amino acid with dissimilar properties. This amino acid position is conserved. In addition, the in silico prediction for this alteration is inconclusive. Since supporting evidence is limited at this time, the clinical significance of this alteration remains unclear.